The following is an entry in ClinVar:

NM_004304.5(ALK):c.3664G>C (p.Ala1222Pro)

Gene: ALK (ALK receptor tyrosine kinase; minus strand). Cytogenetic location: 2p23.2.
Variant type: single nucleotide variant.
Coding change: c.3664G>C on transcript NM_004304.5 (MANE Select); coding-DNA position 3664, G replaced by C.
Protein change: p.Ala1222Pro; replaces alanine 1222 with proline.
Molecular consequence: missense variant.
Genome position (GRCh38, 1-based): chr2:29,214,063, C>G on the plus strand (G>C on the coding strand, the complement: ALK is on the minus strand). VCF-style: chr2-29214063-C-G. GRCh37 (hg19) VCF-style: chr2-29436929-C-G.
Other names: c.460G>C, p.Ala154Pro (NM_001353765.2); short protein forms A1222P, A154P.
Identifiers: ClinVar variation 404310 (VCV000404310.14), dbSNP rs1060500207, ClinGen allele CA16610770.

ClinVar aggregate classification (germline): Uncertain significance. Review status: criteria provided, multiple submitters, no conflicts (2 of 4 stars). 2 submissions from 2 submitters: Uncertain significance (2). Last evaluated 2025-09-15.

Conditions:
Hereditary cancer-predisposing syndrome. Also called: Tumor predisposition; Neoplastic Syndromes, Hereditary; Hereditary Cancer Syndrome; Hereditary neoplastic syndrome. Identifiers: Orphanet 140162, MedGen C0027672, MeSH D009386, MONDO:0015356.
Neuroblastoma, susceptibility to, 3. Also called: ALK-Related Neuroblastic Tumor Susceptibility. Identifiers: Orphanet 635, MedGen C2751681, MONDO:0013083, OMIM 613014.

gnomAD v4.1: 1 of 1,613,986 alleles (0.000062%); highest among the groups gnomAD compares: South Asian, 0.0011%; no homozygotes.

Submissions (2):

Labcorp Genetics (formerly Invitae), Labcorp
Classification: Uncertain significance for Neuroblastoma, susceptibility to, 3. Last evaluated: 2025-09-15. Review status: criteria provided, single submitter. Criteria: Invitae Variant Classification Sherloc (09022015). Collection method: clinical testing. Allele origin: germline.
Comment: This sequence change replaces alanine, which is neutral and non-polar, with proline, which is neutral and non-polar, at codon 1222 of the ALK protein (p.Ala1222Pro). This variant is not present in population databases (gnomAD no frequency). This variant has not been reported in the literature in individuals affected with ALK-related conditions. ClinVar contains an entry for this variant (Variation ID: 404310). An algorithm developed to predict the effect of missense changes on protein structure and function (PolyPhen-2) suggests that this variant is likely to be tolerated. In summary, the available evidence is currently insufficient to determine the role of this variant in disease. Therefore, it has been classified as a Variant of Uncertain Significance.

Ambry Genetics
Classification: Uncertain significance for Hereditary cancer-predisposing syndrome. Last evaluated: 2024-03-30. Review status: criteria provided, single submitter. Criteria: Ambry Variant Classification Scheme 2023. Collection method: clinical testing. Allele origin: germline.
Comment: The p.A1222P variant (also known as c.3664G>C), located in coding exon 24 of the ALK gene, results from a G to C substitution at nucleotide position 3664. The alanine at codon 1222 is replaced by proline, an amino acid with highly similar properties. This amino acid position is not well conserved in available vertebrate species. In addition, the in silico prediction for this alteration is inconclusive. Since supporting evidence is limited at this time, the clinical significance of this alteration remains unclear.